The following is an entry in ClinVar:

ClinVar aggregate classification (germline): Pathogenic (1 of 4 stars; one submission).

Submission:

GeneDx
Classification: Pathogenic. Last evaluated: 2016-10-27. Review status: criteria provided, single submitter. Criteria: GeneDx Variant Classification (06012015). Collection method: clinical testing. Allele origin: germline. Affected: yes.
Comment: The S959X pathogenic variant in the USP9X gene has not been reported previously as a pathogenic variant nor as a benign variant, to our knowledge. This variant is predicted to cause loss of normal protein function either through protein truncation or nonsense-mediated mRNA decay. The S959X variant was not observed in approximately 6100 individuals of European and African American ancestry in the NHLBI Exome Sequencing Project, indicating it is not a common benign variant in these populations. We interpret S959X as a pathogenic variant

NM_001039591.3(USP9X):c.2876C>A (p.Ser959Ter)

Gene: USP9X (ubiquitin specific peptidase 9 X-linked; plus strand). Cytogenetic location: Xp11.4.
Variant type: single nucleotide variant.
Coding change: c.2876C>A on transcript NM_001039591.3 (MANE Select); coding-DNA position 2876, C replaced by A.
Protein change: p.Ser959Ter; replaces serine 959 with a stop codon.
Molecular consequence: nonsense.
Genome position (GRCh38, 1-based): chrX:41,170,234, C>A. VCF-style: chrX-41170234-C-A. GRCh37 (hg19) VCF-style: chrX-41029487-C-A.
Other names: c.2876C>A, p.Ser959Ter (NM_001039590.3); short protein forms S959*.
Identifiers: ClinVar variation 373052 (VCV000373052.2), dbSNP rs1057518174, ClinGen allele CA16043272.